The following is an entry in ClinVar:

NM_033198.4(PIGS):c.1487C>T (p.Thr496Ile)

Gene: PIGS (phosphatidylinositol glycan anchor biosynthesis class S; minus strand). Cytogenetic location: 17q11.2.
Variant type: single nucleotide variant.
Coding change: c.1487C>T on transcript NM_033198.4 (MANE Select); coding-DNA position 1487, C replaced by T.
Protein change: p.Thr496Ile; replaces threonine 496 with isoleucine.
Molecular consequence: missense variant.
Genome position (GRCh38, 1-based): chr17:28,554,401, G>A on the plus strand (C>T on the coding strand, the complement: PIGS is on the minus strand). VCF-style: chr17-28554401-G-A. GRCh37 (hg19) VCF-style: chr17-26881419-G-A.
Other names: short protein forms T496I.
Identifiers: ClinVar variation 3257496 (VCV003257496.17).
Genomic context (GRCh38, chr17:28,554,401, plus strand): 5'-TCATCAGGGAAATAAAGGAGGTGGAGGAGTGACGGGTCAAAGAAGGCAAGCTCAGAGGAT[G>A]TCACAGCTTCCTGGCTGGCGACAAAGGCAGATGCCAGGTGCCCAGACGCCAACTCTTCTG-3'
Protein context (NP_149975.1, residues 486-506): SAFVASQEAV[Thr496Ile]SSELAFFDPS

ClinVar aggregate classification (germline): Uncertain significance (1 of 4 stars; one submission).

Submission:

CeGaT Center for Human Genetics Tuebingen
Classification: Uncertain significance. Last evaluated: 2024-07-01. Review status: criteria provided, single submitter. Criteria: CeGaT Center For Human Genetics Tuebingen Variant Classification Criteria Version 2. Collection method: clinical testing. Allele origin: germline. Affected: yes. Observed: 1 variant allele.
Comment: PIGS: PM2